The following is an entry in ClinVar:

NM_000252.3(MTM1):c.734C>T (p.Pro245Leu)

Gene: MTM1 (myotubularin 1; plus strand). Cytogenetic location: Xq28.
Variant type: single nucleotide variant.
Coding change: c.734C>T on transcript NM_000252.3 (MANE Select); coding-DNA position 734, C replaced by T.
Protein change: p.Pro245Leu; replaces proline 245 with leucine.
Molecular consequence: missense variant.
Genome position (GRCh38, 1-based): chrX:150,645,738, C>T. VCF-style: chrX-150645738-C-T. GRCh37 (hg19) VCF-style: chrX-149814211-C-T.
Other names: c.734C>T, p.Pro245Leu (NM_001376906.1, NM_001376908.1); c.623C>T, p.Pro208Leu (NM_001376907.1); short protein forms P245L, P208L.
Identifiers: ClinVar variation 461698 (VCV000461698.11), dbSNP rs1557413958, ClinGen allele CA415256409.

ClinVar aggregate classification (germline): Uncertain significance (1 of 4 stars; one submission).

Conditions:
Severe X-linked myotubular myopathy (CNMX). Also called: MYOTUBULAR MYOPATHY 1; X-linked centronuclear myopathy; Myotubular myopathy, X-linked. Identifiers: Orphanet 596, MedGen C0410203, MONDO:0010683, OMIM 310400.

Submission:

Labcorp Genetics (formerly Invitae), Labcorp
Classification: Uncertain significance for Severe X-linked myotubular myopathy. Last evaluated: 2020-12-23. Review status: criteria provided, single submitter. Criteria: Invitae Variant Classification Sherloc (09022015). Collection method: clinical testing. Allele origin: germline.
Comment: In summary, the available evidence is currently insufficient to determine the role of this variant in disease. Therefore, it has been classified as a Variant of Uncertain Significance. Algorithms developed to predict the effect of missense changes on protein structure and function are either unavailable or do not agree on the potential impact of this missense change (SIFT: "Deleterious"; PolyPhen-2: "Probably Damaging"; Align-GVGD: "Class C0"). This variant has not been reported in the literature in individuals with MTM1-related conditions. ClinVar contains an entry for this variant (Variation ID: 461698). This variant is not present in population databases (ExAC no frequency). This sequence change replaces proline with leucine at codon 245 of the MTM1 protein (p.Pro245Leu). The proline residue is highly conserved and there is a moderate physicochemical difference between proline and leucine.